The following is an entry in ClinVar:

NM_001394062.1(MACF1):c.1958T>C (p.Leu653Pro)

Gene: MACF1 (microtubule actin crosslinking factor 1; plus strand). Cytogenetic location: 1p34.3.
Variant type: single nucleotide variant.
Coding change: c.1958T>C on transcript NM_001394062.1 (MANE Select); coding-DNA position 1958, T replaced by C.
Protein change: p.Leu653Pro; replaces leucine 653 with proline.
Molecular consequence: missense variant.
Genome position (GRCh38, 1-based): chr1:39,292,809, T>C. VCF-style: chr1-39292809-T-C. GRCh37 (hg19) VCF-style: chr1-39758481-T-C.
Other names: c.1973T>C, p.Leu658Pro (NM_012090.5); short protein forms L653P, L658P.
Identifiers: ClinVar variation 3690112 (VCV003690112.2).

ClinVar aggregate classification (germline): Uncertain significance (1 of 4 stars; one submission).

gnomAD v4.1: 3 of 1,613,384 alleles (0.00019%); highest among the groups gnomAD compares: Admixed American, 0.005%; no homozygotes.

Submission:

Labcorp Genetics (formerly Invitae), Labcorp
Classification: Uncertain significance. Last evaluated: 2024-07-12. Review status: criteria provided, single submitter. Criteria: Invitae Variant Classification Sherloc (09022015). Collection method: clinical testing. Allele origin: germline.
Comment: This sequence change replaces leucine, which is neutral and non-polar, with proline, which is neutral and non-polar, at codon 658 of the MACF1 protein (p.Leu658Pro). This variant is present in population databases (rs753107256, gnomAD 0.009%). This variant has not been reported in the literature in individuals affected with MACF1-related conditions. An algorithm developed to predict the effect of missense changes on protein structure and function (PolyPhen-2) suggests that this variant is likely to be disruptive. In summary, the available evidence is currently insufficient to determine the role of this variant in disease. Therefore, it has been classified as a Variant of Uncertain Significance.